The following is an entry in ClinVar:

ClinVar aggregate classification (germline): Pathogenic (1 of 4 stars; one submission).

Conditions:
Methylcobalamin deficiency type cblG (HMAG). Also called: HOMOCYSTINURIA-MEGALOBLASTIC ANEMIA, cblG COMPLEMENTATION TYPE; Functional methionine synthase deficiency type cblG; HOMOCYSTINURIA-MEGALOBLASTIC ANEMIA, cblG TYPE; HOMOCYSTINURIA-MEGALOBLASTIC ANEMIA DUE TO DEFECT IN COBALAMIN METABOLISM, cblG COMPLEMENTATION TYPE. Identifiers: Orphanet 2170, Orphanet 622, MedGen C1855128, MONDO:0009609, OMIM 250940.

Allele frequency attached by ClinVar (database versions not stated): gnomAD exomes below 0.00001.

Submission:

Labcorp Genetics (formerly Invitae), Labcorp
Classification: Pathogenic for Methylcobalamin deficiency type cblG. Last evaluated: 2023-12-05. Review status: criteria provided, single submitter. Criteria: Invitae Variant Classification Sherloc (09022015). Collection method: clinical testing. Allele origin: germline.
Comment: This sequence change creates a premature translational stop signal (p.Asp825Argfs*15) in the MTR gene. It is expected to result in an absent or disrupted protein product. Loss-of-function variants in MTR are known to be pathogenic (PMID: 9683607, 12068375). This variant is not present in population databases (gnomAD no frequency). This variant has not been reported in the literature in individuals affected with MTR-related conditions. ClinVar contains an entry for this variant (Variation ID: 2025555). For these reasons, this variant has been classified as Pathogenic.

Literature cited by the submitters: PubMed 9683607; PubMed 12068375.

NM_000254.3(MTR):c.2472dup (p.Asp825fs)

Gene: MTR (5-methyltetrahydrofolate-homocysteine methyltransferase; plus strand). Cytogenetic location: 1q43.
Variant type: Duplication.
Coding change: c.2472dup on transcript NM_000254.3 (MANE Select); coding-DNA position 2472, one base duplicated (A; older notation c.2472dupA).
Protein change: p.Asp825fs; shifts the reading frame from aspartic acid 825.
Molecular consequence: frameshift variant.
Genome position (GRCh38, 1-based): chr1:236,873,839, A duplicated. VCF-style (leftmost placement, unchanged base first): chr1-236873838-C-CA. GRCh37 (hg19) VCF-style: chr1-237037138-C-CA.
Other names: c.2319dup, p.Asp774fs (NM_001291939.1); c.1251dup, p.Asp418fs (NM_001291940.2); short protein forms D774fs, D418fs, D825fs.
Identifiers: ClinVar variation 2025555 (VCV002025555.4), dbSNP rs2528337010, ClinGen allele CA2580062371.
Genomic context (GRCh38, chr1:236,873,838, plus strand): 5'-TTGATTTAGGAGTCATGACTCCATGTGATAAGATACTGAAAGCTGCTCTTGACCACAAAG[C>CA]AGGTACTGTGCAACTATACTTTGGGCATTTCTCTAAATGTCATATCCCCAGGTGTCTGTC-3'